The following is an entry in ClinVar:

NM_004473.4(FOXE1):c.866C>G (p.Pro289Arg)

Gene: FOXE1 (forkhead box E1; plus strand). Cytogenetic location: 9q22.33.
Variant type: single nucleotide variant.
Coding change: c.866C>G on transcript NM_004473.4 (MANE Select); coding-DNA position 866, C replaced by G.
Protein change: p.Pro289Arg; replaces proline 289 with arginine.
Molecular consequence: missense variant.
Genome position (GRCh38, 1-based): chr9:97,854,780, C>G. VCF-style: chr9-97854780-C-G. GRCh37 (hg19) VCF-style: chr9-100617062-C-G.
Other names: short protein forms P289R.
Identifiers: ClinVar variation 1028765 (VCV001028765.1), dbSNP rs1324051960, ClinGen allele CA374348639.

ClinVar aggregate classification (germline): Uncertain significance (1 of 4 stars; one submission).

Conditions:
Bamforth-Lazarus syndrome. Identifiers: Orphanet 1226, MedGen C1855794, MONDO:0009437, OMIM 241850.

Allele frequency attached by ClinVar (database versions not stated): gnomAD exomes 0.00001 and 0.00003; TOPMed 0.00001.
gnomAD v4.1: 9 of 1,515,920 alleles (0.00059%); highest among the groups gnomAD compares: Admixed American, 0.0083%; no homozygotes.

Submission:

Baylor Genetics
Classification: Uncertain significance for Bamforth-Lazarus syndrome. Last evaluated: 2019-01-25. Review status: criteria provided, single submitter. Criteria: ACMG Guidelines, 2015. Collection method: clinical testing. Allele origin: paternal. Affected: yes.
Comment: This variant was determined to be of uncertain significance according to ACMG Guidelines, 2015 [PMID:25741868].